The following is an entry in ClinVar:

NM_001382347.1(MYO5A):c.3895G>A (p.Val1299Ile)

Gene: MYO5A (myosin VA; minus strand). Cytogenetic location: 15q21.2.
Variant type: single nucleotide variant.
Coding change: c.3895G>A on transcript NM_001382347.1 (MANE Select); coding-DNA position 3895, G replaced by A.
Protein change: p.Val1299Ile; replaces valine 1299 with isoleucine.
Molecular consequence: missense variant.
Genome position (GRCh38, 1-based): chr15:52,346,425, C>T on the plus strand (G>A on the coding strand, the complement: MYO5A is on the minus strand). VCF-style: chr15-52346425-C-T. GRCh37 (hg19) VCF-style: chr15-52638622-C-T.
Other names: c.3895G>A, p.Val1299Ile (NM_000259.3, NM_001142495.2); c.3967G>A, p.Val1323Ile (NM_001382348.1, NM_001382349.1); c.3886G>A, p.Val1296Ile (NM_001411135.1); short protein forms V1299I, V1323I, V1296I.
Identifiers: ClinVar variation 1935645 (VCV001935645.6), dbSNP rs755366134, ClinGen allele CA7568268.

ClinVar aggregate classification (germline): Uncertain significance. Review status: criteria provided, multiple submitters, no conflicts (2 of 4 stars). 2 submissions from 2 submitters: Uncertain significance (2). Last evaluated 2024-12-09.

Conditions:
Inborn genetic diseases. Identifiers: MedGen C0950123, MeSH D030342.

Allele frequency attached by ClinVar (database versions not stated): TOPMed below 0.00001; ExAC 0.00001; gnomAD exomes 0.00001.
gnomAD v4.1: 17 of 1,607,488 alleles (0.0011%); highest among the groups gnomAD compares: Non-Finnish European, 0.0014%; no homozygotes.

Submissions (2):

Ambry Genetics
Classification: Uncertain significance for Inborn genetic diseases. Last evaluated: 2024-12-09. Review status: criteria provided, single submitter. Criteria: Ambry Variant Classification Scheme 2023. Collection method: clinical testing. Allele origin: germline.

Labcorp Genetics (formerly Invitae), Labcorp
Classification: Uncertain significance. Last evaluated: 2022-07-16. Review status: criteria provided, single submitter. Criteria: Invitae Variant Classification Sherloc (09022015). Collection method: clinical testing. Allele origin: germline.
Comment: In summary, the available evidence is currently insufficient to determine the role of this variant in disease. Therefore, it has been classified as a Variant of Uncertain Significance. This sequence change replaces valine, which is neutral and non-polar, with isoleucine, which is neutral and non-polar, at codon 1299 of the MYO5A protein (p.Val1299Ile). This variant is present in population databases (rs755366134, gnomAD 0.0009%). This variant has not been reported in the literature in individuals affected with MYO5A-related conditions. Algorithms developed to predict the effect of missense changes on protein structure and function (SIFT, PolyPhen-2, Align-GVGD) all suggest that this variant is likely to be tolerated.